The following is an entry in ClinVar:

ClinVar aggregate classification (germline): Conflicting classifications of pathogenicity. Review status: criteria provided, conflicting classifications (1 of 4 stars). 5 submissions from 5 submitters: Uncertain significance (1); Likely benign (4). Last evaluated 2026-02-16.

Conditions:
Cardiovascular phenotype. Identifiers: MedGen CN230736.
Ehlers-Danlos syndrome (EDS). Identifiers: Orphanet 98249, MedGen C0013720, MONDO:0020066.

Allele frequency attached by ClinVar (database versions not stated): gnomAD exomes 0.00007 and 0.00022; ExAC 0.00023; gnomAD 0.00074 and 0.00081; TOPMed 0.00079; ESP Exome Variant Server 0.00087.
gnomAD v4.1: 221 of 1,612,574 alleles (0.014%); highest among the groups gnomAD compares: African/African-American, 0.26%; no homozygotes.

Submissions (5):

Women's Health and Genetics/Laboratory Corporation of America, LabCorp
Classification: Likely benign. Last evaluated: 2026-02-16. Review status: criteria provided, single submitter. Criteria: LabCorp Variant Classification Summary - May 2015. Collection method: clinical testing. Allele origin: germline.
Comment: Variant summary: TNXB c.1952T>C (p.Met651Thr) results in a non-conservative amino acid change in the encoded protein sequence. Algorithms developed to predict the effect of missense changes on protein structure and function are either unavailable or do not agree on the potential impact of this missense change. The variant allele was found at a frequency of 0.00022 in 239530 control chromosomes, predominantly at a frequency of 0.0029 within the African or African-American subpopulation in the gnomAD database. The observed variant frequency within African or African-American control individuals in the gnomAD database exceeds the estimated maximal expected allele frequency for disease-causing variants in TNXB. To our knowledge, no occurrence of c.1952T>C in individuals affected with TNXB-related conditions and no experimental evidence demonstrating its impact on protein function have been reported. ClinVar contains an entry for this variant (Variation ID: 1192785). Based on the evidence outlined above, the variant was classified as likely benign.

Labcorp Genetics (formerly Invitae), Labcorp
Classification: Likely benign. Last evaluated: 2026-01-18. Review status: criteria provided, single submitter. Criteria: Invitae Variant Classification Sherloc (09022015). Collection method: clinical testing. Allele origin: germline.

Ambry Genetics
Classification: Likely benign for Cardiovascular phenotype. Last evaluated: 2022-12-28. Review status: criteria provided, single submitter. Criteria: Ambry Variant Classification Scheme 2023. Collection method: clinical testing. Allele origin: germline.

Genome Diagnostics Laboratory, The Hospital for Sick Children
Classification: Uncertain significance for Ehlers-Danlos syndrome. Last evaluated: 2022-07-13. Review status: criteria provided, single submitter. Criteria: ACMG Guidelines, 2015. Collection method: clinical testing. Allele origin: germline.

GeneDx
Classification: Likely benign. Last evaluated: 2019-09-12. Review status: criteria provided, single submitter. Criteria: GeneDx Variant Classification Process June 2021. Collection method: clinical testing. Allele origin: germline. Affected: yes.

NM_001365276.2(TNXB):c.1952T>C (p.Met651Thr)

Gene: TNXB (tenascin XB; minus strand). Cytogenetic location: 6p21.33.
Variant type: single nucleotide variant.
Coding change: c.1952T>C on transcript NM_001365276.2 (MANE Select); coding-DNA position 1952, T replaced by C.
Protein change: p.Met651Thr; replaces methionine 651 with threonine.
Molecular consequence: missense variant.
Genome position (GRCh38, 1-based): chr6:32,095,901, A>G on the plus strand (T>C on the coding strand, the complement: TNXB is on the minus strand). VCF-style: chr6-32095901-A-G. GRCh37 (hg19) VCF-style: chr6-32063678-A-G.
Other names: c.1952T>C, p.Met651Thr (NM_019105.8); short protein forms M651T.
Identifiers: ClinVar variation 1192785 (VCV001192785.9), dbSNP rs200369087, ClinGen allele CA3735585.